The following is an entry in ClinVar:

NM_002253.4(KDR):c.2598A>C (p.Ala866=)

Gene: KDR (kinase insert domain receptor; minus strand). Cytogenetic location: 4q12.
Variant type: single nucleotide variant.
Coding change: c.2598A>C on transcript NM_002253.4 (MANE Select); coding-DNA position 2598, A replaced by C.
Protein change: p.Ala866=; no amino-acid change (alanine 866 retained).
Molecular consequence: synonymous variant.
Genome position (GRCh38, 1-based): chr4:55,097,678, T>G on the plus strand (A>C on the coding strand, the complement: KDR is on the minus strand). VCF-style: chr4-55097678-T-G. GRCh37 (hg19) VCF-style: chr4-55963845-T-G.
Other names: KT253187.
Identifiers: ClinVar variation 204334 (VCV000204334.3), dbSNP rs795939486, ClinGen allele CA251263.

ClinVar aggregate classification (germline): Uncertain significance (0 of 4 stars; one submission).

Conditions:
Carcinoma of colon (CRC). Also called: Colonic carcinoma; Colon carcinoma. Identifiers: MedGen C0699790, MONDO:0002032.

Submission:

Immunobiology Lab; University of Kashmir
Classification: Uncertain significance for Carcinoma of colon. Last evaluated: 2015-01-24. Review status: no assertion criteria provided. Collection method: case-control. Allele origin: somatic. Affected: yes. Study: Mutational Hotspot profiling of Tyrosine Kinase domain of VEGF receptors in Human colorectal tumors.
Comment: The variation(s) were confirmed by double pass sequencing of PCR products amplified from genomic DNA of colonic lesions fron colorectal patients